The following is an entry in ClinVar:

ClinVar aggregate classification (germline): Pathogenic/Likely pathogenic. Review status: criteria provided, multiple submitters, no conflicts (2 of 4 stars). 4 submissions from 4 submitters: Pathogenic (2); Likely pathogenic (2). Last evaluated 2026-01-21.

Conditions:
Macular corneal dystrophy (MCD). Also called: Macular corneal dystrophy Type I; GROENOUW TYPE II CORNEAL DYSTROPHY. Identifiers: Orphanet 98969, MedGen C1636149, MONDO:0009020, OMIM 217800.

Allele frequency attached by ClinVar (database versions not stated): ExAC below 0.00001; gnomAD exomes 0.00002 and 0.00004; TOPMed 0.00004; gnomAD 0.00008 and 0.00009.

Submissions (4):

Labcorp Genetics (formerly Invitae), Labcorp
Classification: Pathogenic for Macular corneal dystrophy. Last evaluated: 2026-01-21. Review status: criteria provided, single submitter. Criteria: Invitae Variant Classification Sherloc (09022015). Collection method: clinical testing. Allele origin: germline.
Comment: This sequence change affects the initiator codon of the CHST6 mRNA. This change may impact translation initiation or efficiency. The next in-frame methionine is located at codon 70. This variant is present in population databases (rs755563003, gnomAD 0.01%). Disruption of the initiator codon has been observed in individuals with macular corneal dystrophy (PMID: 16568029). It has also been observed to segregate with disease in related individuals. ClinVar contains an entry for this variant (Variation ID: 871665). For these reasons, this variant has been classified as Pathogenic.

Fulgent Genetics
Classification: Likely pathogenic for Macular corneal dystrophy. Last evaluated: 2024-02-28. Review status: criteria provided, single submitter. Criteria: ACMG Guidelines, 2015. Collection method: clinical testing. Allele origin: germline.

Department of Pathology and Laboratory Medicine, Sinai Health System
Classification: Likely pathogenic for Macular corneal dystrophy. Last evaluated: 2023-02-16. Review status: criteria provided, single submitter. Criteria: ACMG Guidelines, 2015. Collection method: research. Allele origin: germline.

CeGaT Center for Human Genetics Tuebingen
Classification: Pathogenic. Last evaluated: 2019-09-01. Review status: criteria provided, single submitter. Criteria: CeGaT Center For Human Genetics Tuebingen Variant Classification Criteria Version 2. Collection method: clinical testing. Allele origin: germline. Affected: yes. Observed: 1 variant allele.

Literature cited by the submitters: PubMed 16568029 (cited by Labcorp Genetics (formerly Invitae), Labcorp).

NM_021615.5(CHST6):c.1A>T (p.Met1Leu)

Gene: CHST6 (carbohydrate sulfotransferase 6; minus strand). Cytogenetic location: 16q23.1.
Variant type: single nucleotide variant.
Coding change: c.1A>T on transcript NM_021615.5 (MANE Select); coding-DNA position 1, A replaced by T.
Protein change: p.Met1Leu; changes the start codon (methionine 1).
Molecular consequence: missense variant, initiator codon variant.
Genome position (GRCh38, 1-based): chr16:75,479,828, T>A on the plus strand (A>T on the coding strand, the complement: CHST6 is on the minus strand). VCF-style: chr16-75479828-T-A. GRCh37 (hg19) VCF-style: chr16-75513726-T-A.
Other names: short protein forms M1L.
Identifiers: ClinVar variation 871665 (VCV000871665.47), dbSNP rs755563003, ClinGen allele CA8175614.